The following is an entry in ClinVar:

NM_001145715.3(KPNA7):c.883T>A (p.Ser295Thr)

Gene: KPNA7 (karyopherin subunit alpha 7; minus strand). Cytogenetic location: 7q22.1.
Variant type: single nucleotide variant.
Coding change: c.883T>A on transcript NM_001145715.3 (MANE Select); coding-DNA position 883, T replaced by A.
Protein change: p.Ser295Thr; replaces serine 295 with threonine.
Molecular consequence: missense variant.
Genome position (GRCh38, 1-based): chr7:99,188,317, A>T on the plus strand (T>A on the coding strand, the complement: KPNA7 is on the minus strand). VCF-style: chr7-99188317-A-T. GRCh37 (hg19) VCF-style: chr7-98785940-A-T.
Other names: c.883T>A (NM_001145715.1); short protein forms S295T.
Identifiers: ClinVar variation 1034824 (VCV001034824.8), dbSNP rs369219037, ClinGen allele CA163745790.

ClinVar aggregate classification (germline): Uncertain significance. Review status: criteria provided, multiple submitters, no conflicts (2 of 4 stars). 2 submissions from 2 submitters: Uncertain significance (2). Last evaluated 2025-11-26.

Allele frequency attached by ClinVar (database versions not stated): gnomAD exomes 0.00001; ESP Exome Variant Server 0.00022; TOPMed below 0.00001; gnomAD 0.00001.
gnomAD v4.1: 15 of 1,551,192 alleles (0.00097%); highest among the groups gnomAD compares: African/African-American, 0.014%; no homozygotes.

Submissions (2):

Ambry Genetics
Classification: Uncertain significance. Last evaluated: 2025-11-26. Review status: criteria provided, single submitter. Criteria: Ambry Variant Classification Scheme 2023. Collection method: clinical testing. Allele origin: germline.

Labcorp Genetics (formerly Invitae), Labcorp
Classification: Uncertain significance. Last evaluated: 2022-01-31. Review status: criteria provided, single submitter. Criteria: Invitae Variant Classification Sherloc (09022015). Collection method: clinical testing. Allele origin: germline.
Comment: This sequence change replaces serine, which is neutral and polar, with threonine, which is neutral and polar, at codon 295 of the KPNA7 protein (p.Ser295Thr). This variant is not present in population databases (gnomAD no frequency). This variant has not been reported in the literature in individuals affected with KPNA7-related conditions. ClinVar contains an entry for this variant (Variation ID: 1034824). Algorithms developed to predict the effect of missense changes on protein structure and function (SIFT, PolyPhen-2, Align-GVGD) all suggest that this variant is likely to be tolerated. In summary, the available evidence is currently insufficient to determine the role of this variant in disease. Therefore, it has been classified as a Variant of Uncertain Significance.